The following is an entry in ClinVar:

NM_001211.6(BUB1B):c.1040C>G (p.Thr347Ser)

Gene: BUB1B (BUB1 mitotic checkpoint serine/threonine kinase B; plus strand). Cytogenetic location: 15q15.1.
Variant type: single nucleotide variant.
Coding change: c.1040C>G on transcript NM_001211.6 (MANE Select); coding-DNA position 1040, C replaced by G.
Protein change: p.Thr347Ser; replaces threonine 347 with serine.
Molecular consequence: missense variant.
Genome position (GRCh38, 1-based): chr15:40,185,624, C>G. VCF-style: chr15-40185624-C-G. GRCh37 (hg19) VCF-style: chr15-40477825-C-G.
Other names: short protein forms T347S.
Identifiers: ClinVar variation 3262190 (VCV003262190.1).

ClinVar aggregate classification (germline): Uncertain significance (1 of 4 stars; one submission).

Conditions:
Inborn genetic diseases. Identifiers: MedGen C0950123, MeSH D030342.

gnomAD v4.1: 1 of 1,613,910 alleles (0.000062%); highest among the groups gnomAD compares: Non-Finnish European, 0.000085%; no homozygotes.

Submission:

Ambry Genetics
Classification: Uncertain significance for Inborn genetic diseases. Last evaluated: 2024-06-14. Review status: criteria provided, single submitter. Criteria: Ambry Variant Classification Scheme 2023. Collection method: clinical testing. Allele origin: germline.
Comment: The p.T347S variant (also known as c.1040C>G), located in coding exon 8 of the BUB1B gene, results from a C to G substitution at nucleotide position 1040. The threonine at codon 347 is replaced by serine, an amino acid with similar properties. This amino acid position is conserved. In addition, this alteration is predicted to be tolerated by in silico analysis. Based on the available evidence, the clinical significance of this variant remains unclear.